The following is an entry in ClinVar:

NM_001127511.3(APC):c.123_124insTACTTCT (p.Gly42fs)

Gene: APC (APC regulator of Wnt signaling pathway; plus strand). Cytogenetic location: 5q22.2.
Variant type: Insertion.
Coding change: c.123_124insTACTTCT on transcript NM_001127511.3; coding-DNA positions 123 to 124, TACTTCT inserted.
Protein change: p.Gly42fs; shifts the reading frame from glycine 42.
Molecular consequence: frameshift variant. On other transcripts: intron variant (5), 5 prime UTR variant (8), non-coding transcript variant (1).
Genome position: GRCh38 VCF-style: chr5-112707840-G-GTACTTCT. GRCh37 (hg19) VCF-style: chr5-112043537-G-GTACTTCT.
Other names: c.-19+191_-19+192insTACTTCT (NM_001407448.1, NM_001407450.1, NM_001407457.1 and 1 more transcripts); c.-43+191_-43+192insTACTTCT (NM_001407453.1); c.-61_-60insTACTTCT (NM_001354895.2, NM_001407447.1, NM_001407452.1 and 3 more transcripts); c.123_124insTACTTCT, p.Gly42fs (NM_001354897.2, NM_001354902.2, NM_001407446.1); c.-1096_-1095insTACTTCT (NM_001407470.1, NM_001407472.1); short protein forms G42fs.
Identifiers: ClinVar variation 1498197 (VCV001498197.7), dbSNP rs2149631225, ClinGen allele CA2573138803.

ClinVar aggregate classification (germline): Uncertain significance (1 of 4 stars; one submission).

Conditions:
Familial adenomatous polyposis 1 (FAP1). Also called: FAMILIAL ADENOMATOUS POLYPOSIS 1, ATTENUATED; POLYPOSIS, ADENOMATOUS INTESTINAL. Identifiers: MedGen C2713442, MONDO:0021056, OMIM 175100. Disease mechanism: loss of function.

Submission:

Labcorp Genetics (formerly Invitae), Labcorp
Classification: Uncertain significance for Familial adenomatous polyposis 1. Last evaluated: 2025-02-10. Review status: criteria provided, single submitter. Criteria: Invitae Variant Classification Sherloc (09022015). Collection method: clinical testing. Allele origin: germline.
Comment: This variant occurs in a non-coding region of the APC gene. It does not change the encoded amino acid sequence of the APC protein. This variant is not present in population databases (gnomAD no frequency). This variant has not been reported in the literature in individuals affected with APC-related conditions. Experimental studies and prediction algorithms are not available or were not evaluated, and the functional significance of this variant is currently unknown. In summary, the available evidence is currently insufficient to determine the role of this variant in disease. Therefore, it has been classified as a Variant of Uncertain Significance.